The following is an entry in ClinVar:

ClinVar aggregate classification (germline): Uncertain significance (1 of 4 stars; one submission).

Conditions:
Glycogen storage disease, type II (IOPD). Also called: Pompe Disease; CARDIOMEGALIA GLYCOGENICA DIFFUSA; GLYCOGENOSIS, GENERALIZED, CARDIAC FORM; GSD II; POMPE DISEASE, INFANTILE-ONSET; GLYCOGEN STORAGE DISEASE II, INFANTILE-ONSET. Identifiers: Orphanet 365, MedGen C0017921, MONDO:0009290, OMIM 232300.

Submission:

Genomenon, Inc
Classification: Uncertain significance for Glycogen storage disease, type II. Last evaluated: 2026-07-01. Review status: criteria provided, single submitter. Criteria: Genomenon Sequence Variant Interpretation Standards - Updated. Collection method: curation. Allele origin: germline. Affected: yes.
Comment: GAA c.2040G>T is a synonymous variant that retains Leucine at codon 680. This variant has been observed in at least one proband with a GAA-related disorder in the compound heterozygous and/or homozygous state (PMID:39010129). It is absent or not present at a significant frequency in gnomAD. In silico models predict that this variant is possibly or probably damaging. In conclusion, we classify GAA c.2040G>T (p.Leu680=) as a variant of uncertain significance.

Literature cited by the submitters: PubMed 39010129.

NM_000152.5(GAA):c.2040G>T (p.Leu680=)

Gene: GAA (alpha glucosidase; plus strand). Cytogenetic location: 17q25.3.
Variant type: single nucleotide variant.
Coding change: c.2040G>T on transcript NM_000152.5 (MANE Select); coding-DNA position 2040, G replaced by T.
Protein change: p.Leu680=; no amino-acid change (leucine 680 retained).
Molecular consequence: synonymous variant.
Genome position (GRCh38, 1-based): chr17:80,113,027, G>T. VCF-style: chr17-80113027-G-T. GRCh37 (hg19) VCF-style: chr17-78086826-G-T.
Other names: c.2040G>T, p.Leu680= (NM_001079803.3, NM_001079804.3, NM_001406741.1 and 1 more transcripts).
Identifiers: ClinVar variation 4876588 (VCV004876588.1).